The following is an entry in ClinVar:

NM_004646.4(NPHS1):c.851del (p.Pro284fs)

Gene: NPHS1 (NPHS1 adhesion molecule, nephrin; minus strand). Cytogenetic location: 19q13.12.
Variant type: Deletion.
Coding change: c.851del on transcript NM_004646.4 (MANE Select); coding-DNA position 851, one base deleted (C; older notation c.851delC).
Protein change: p.Pro284fs; shifts the reading frame from proline 284.
Molecular consequence: frameshift variant.
Genome position (GRCh38, 1-based): chr19:35,849,137, G deleted on the plus strand (C on the coding strand, the reverse complement: NPHS1 is on the minus strand); the first of 2 consecutive G bases (chr19:35,849,137-35,849,138); deleting either gives the same sequence. VCF-style (leftmost placement, unchanged base first): chr19-35849136-CG-C. GRCh37 (hg19) VCF-style: chr19-36340038-CG-C.
Other names: c.851delC (NM_004646.3); c.851del (NM_004646.3); short protein forms P284fs.
Identifiers: ClinVar variation 549972 (VCV000549972.4), dbSNP rs1555763460, ClinGen allele CA658823766.
Genomic context (GRCh38, chr19:35,849,136, plus strand): 5'-CATCACCAGCACACTGCGGGCCACCGCCTGGGTGTGCTCTGTGCCCCACGCTGTGGACAC[CG>C]GCTGGCCATTCTGGAGACAGGGACAGGCCTGGGCCAGCTCAGGACTGGCTCCCAGACCCC-3'

ClinVar aggregate classification (germline): Pathogenic/Likely pathogenic. Review status: criteria provided, multiple submitters, no conflicts (2 of 4 stars). 3 submissions from 3 submitters: Pathogenic (1); Likely pathogenic (1). 1 of the submissions does not count toward it. Last evaluated 2025-12-09.

Conditions:
Finnish congenital nephrotic syndrome (NPHS1). Also called: NEPHROTIC SYNDROME, TYPE 1. Identifiers: Orphanet 839, MedGen C0403399, MONDO:0009732, OMIM 256300.

Submissions (3):

Labcorp Genetics (formerly Invitae), Labcorp
Classification: Pathogenic. Last evaluated: 2025-12-09. Review status: criteria provided, single submitter. Criteria: Invitae Variant Classification Sherloc (09022015). Collection method: clinical testing. Allele origin: germline.
Comment: This sequence change creates a premature translational stop signal (p.Pro284Argfs*20) in the NPHS1 gene. It is expected to result in an absent or disrupted protein product. Loss-of-function variants in NPHS1 are known to be pathogenic (PMID: 11317351, 11854170, 12039988). This variant is not present in population databases (gnomAD no frequency). This variant has not been reported in the literature in individuals affected with NPHS1-related conditions. ClinVar contains an entry for this variant (Variation ID: 549972). For these reasons, this variant has been classified as Pathogenic.

Natera, Inc.
Classification: Likely pathogenic for Finnish congenital nephrotic syndrome. Last evaluated: 2025-11-04. Review status: criteria provided, single submitter. Criteria: Natera Variant Classification Schema (03/2026). Collection method: clinical testing. Allele origin: germline.
Comment: The c.851del variant in NPHS1 is a frameshift variant predicted to shift the reading frame beginning at codon 284 and leads to a stop codon 20 codons downstream. This variant is expected to result in nonsense mediated decay, truncation, or a dysfunctional protein product. This variant is rare in the general population with a frequency below the threshold expected for the associated phenotype(s). Given the available evidence, this variant is classified as Likely Pathogenic.

Counsyl
Classification: Likely pathogenic for Finnish congenital nephrotic syndrome. Last evaluated: 2017-01-17. Review status: no assertion criteria provided. Collection method: clinical testing. Allele origin: unknown. Not counted in ClinVar's aggregate classification.

Literature cited by the submitters: PubMed 11317351 (cited by Labcorp Genetics (formerly Invitae), Labcorp); PubMed 11854170 (cited by Labcorp Genetics (formerly Invitae), Labcorp); PubMed 12039988 (cited by Labcorp Genetics (formerly Invitae), Labcorp).